The following is an entry in ClinVar:

ClinVar aggregate classification (germline): Uncertain significance (1 of 4 stars; one submission).

gnomAD v4.1: 1 of 1,210,905 alleles (0.000083%); highest among the groups gnomAD compares: South Asian, 0.0018%; no homozygotes.

Submission:

GeneDx
Classification: Uncertain significance. Last evaluated: 2024-10-14. Review status: criteria provided, single submitter. Criteria: GeneDx Variant Classification Process June 2021. Collection method: clinical testing. Allele origin: germline. Affected: yes.
Comment: Not observed at significant frequency in large population cohorts (gnomAD); In silico analysis indicates that this missense variant does not alter protein structure/function; Has not been previously published as pathogenic or benign to our knowledge

NM_001099922.3(ALG13):c.1651G>T (p.Val551Phe)

Gene: ALG13 (ALG13 UDP-N-acetylglucosaminyltransferase subunit; plus strand). Cytogenetic location: Xq23.
Variant type: single nucleotide variant.
Coding change: c.1651G>T on transcript NM_001099922.3 (MANE Select); coding-DNA position 1651, G replaced by T.
Protein change: p.Val551Phe; replaces valine 551 with phenylalanine.
Molecular consequence: missense variant. On other transcripts: non-coding transcript variant (1).
Genome position (GRCh38, 1-based): chrX:111,724,983, G>T. VCF-style: chrX-111724983-G-T. GRCh37 (hg19) VCF-style: chrX-110968211-G-T.
Other names: c.1339G>T, p.Val447Phe (NM_001257230.2, NM_001257234.2, NM_001257237.2); c.1417G>T, p.Val473Phe (NM_001257231.2); c.1651G>T, p.Val551Phe (NM_001324292.2); c.1165G>T, p.Val389Phe (NM_001324293.1); short protein forms V389F, V447F, V473F, V551F.
Identifiers: ClinVar variation 3777664 (VCV003777664.1).